The following is an entry in ClinVar:

NM_001271.4(CHD2):c.2871_2876+15dup

Gene: CHD2 (chromodomain helicase DNA binding protein 2; plus strand). Cytogenetic location: 15q26.1.
Variant type: Duplication.
Coding change: c.2871_2876+15dup on transcript NM_001271.4 (MANE Select); coding-DNA position 2871 through 15 bases into the intron after coding-DNA position 2876, 21 bases duplicated (GTCCAAGTAAGTGCCAGGAAG).
Molecular consequence: splice donor variant.
Genome position (GRCh38, 1-based): chr15:92,979,278-92,979,298, GTCCAAGTAAGTGCCAGGAAG duplicated; duplicating any 21 consecutive bases within chr15:92,979,271-92,979,298 gives the same sequence; the c. name uses the placement nearest the transcript's 3' end. VCF-style (leftmost placement, unchanged base first): chr15-92979270-T-TCAGGAAGGTCCAAGTAAGTGC. GRCh37 (hg19) VCF-style: chr15-93522500-T-TCAGGAAGGTCCAAGTAAGTGC.
Identifiers: ClinVar variation 2824362 (VCV002824362.3), dbSNP rs2053946782, ClinGen allele CA2196374174.

ClinVar aggregate classification (germline): Uncertain significance (1 of 4 stars; one submission).

Conditions:
Developmental and epileptic encephalopathy 94 (DEE94). Also called: CHD2-Related Neurodevelopmental Disorders; Epileptic encephalopathy, childhood-onset. Identifiers: Orphanet 1942, Orphanet 2382, MedGen C3809278, MONDO:0014150, OMIM 615369.

Submission:

Labcorp Genetics (formerly Invitae), Labcorp
Classification: Uncertain significance for Developmental and epileptic encephalopathy 94. Last evaluated: 2023-03-29. Review status: criteria provided, single submitter. Criteria: Invitae Variant Classification Sherloc (09022015). Collection method: clinical testing. Allele origin: germline.
Comment: In summary, the available evidence is currently insufficient to determine the role of this variant in disease. Therefore, it has been classified as a Variant of Uncertain Significance. Algorithms developed to predict the effect of sequence changes on RNA splicing suggest that this variant may disrupt the consensus splice site. This variant has not been reported in the literature in individuals affected with CHD2-related conditions. This variant is not present in population databases (gnomAD no frequency). This sequence change falls in intron 22 of the CHD2 gene. It does not directly change the encoded amino acid sequence of the CHD2 protein.